The following is an entry in ClinVar:

ClinVar aggregate classification (germline): Likely benign (1 of 4 stars; one submission).

Submission:

CeGaT Center for Human Genetics Tuebingen
Classification: Likely benign. Last evaluated: 2026-01-01. Review status: criteria provided, single submitter. Criteria: CeGaT Center For Human Genetics Tuebingen Variant Classification Criteria Version 2. Collection method: clinical testing. Allele origin: germline. Affected: yes. Observed: 1 variant allele.
Comment: MUC4: BP4, BP7

NM_018406.7(MUC4):c.10248A>G (p.Ser3416=)

Gene: MUC4 (mucin 4, cell surface associated). Cytogenetic location: 3q29.
Variant type: single nucleotide variant.
Coding change: c.10248A>G on transcript NM_018406.7 (MANE Select); coding-DNA position 10248, A replaced by G.
Protein change: p.Ser3416=; no amino-acid change (serine 3416 retained).
Molecular consequence: synonymous variant. On other transcripts: intron variant (2).
Genome position (GRCh38, 1-based): chr3:195,781,332, T>C on the plus strand (A>G on the coding strand, the complement: MUC4 is on the minus strand). VCF-style: chr3-195781332-T-C. GRCh37 (hg19) VCF-style: chr3-195508203-T-C.
Other names: c.83-7027A>G (NM_138297.5); c.83-2877A>G (NM_004532.6).
Identifiers: ClinVar variation 4821122 (VCV004821122.4).